The following is an entry in ClinVar:

ClinVar aggregate classification (germline): Pathogenic (1 of 4 stars; one submission).

Conditions:
Cornelia de Lange syndrome 1 (CDLS1). Also called: TYPUS DEGENERATIVUS AMSTELODAMENSIS; Brachmann de Lange syndrome; NIPBL-Related Cornelia de Lange Syndrome. Identifiers: Orphanet 199, MedGen C4551851, MONDO:0007387, OMIM 122470.

Submission:

Centre for Mendelian Genomics, University Medical Centre Ljubljana
Classification: Pathogenic for Cornelia de Lange syndrome 1. Last evaluated: 2016-01-01. Review status: criteria provided, single submitter. Criteria: ACMG Guidelines, 2015. Collection method: clinical testing. Allele origin: unknown. Affected: yes.
Comment: This variant was classified as: Pathogenic. The following ACMG criteria were applied in classifying this variant: PVS1,PM2,PP3.

NM_133433.4(NIPBL):c.161T>A (p.Leu54Ter)

Gene: NIPBL (NIPBL cohesin loading factor; plus strand). Cytogenetic location: 5p13.2.
Variant type: single nucleotide variant.
Coding change: c.161T>A on transcript NM_133433.4 (MANE Select); coding-DNA position 161, T replaced by A.
Protein change: p.Leu54Ter; replaces leucine 54 with a stop codon.
Molecular consequence: nonsense.
Genome position (GRCh38, 1-based): chr5:36,955,568, T>A. VCF-style: chr5-36955568-T-A. GRCh37 (hg19) VCF-style: chr5-36955670-T-A.
Other names: c.161T>A, p.Leu54Ter (NM_015384.5); short protein forms L54*.
Identifiers: ClinVar variation 930373 (VCV000930373.3), dbSNP rs1740842785, ClinGen allele CA359474218.